The following is an entry in ClinVar:

ClinVar aggregate classification (germline): Uncertain significance (1 of 4 stars; one submission).

Conditions:
Nephronophthisis 16 (NPHP16). Identifiers: Orphanet 655, MedGen C3809320, MONDO:0014158, OMIM 615382.

Submission:

Labcorp Genetics (formerly Invitae), Labcorp
Classification: Uncertain significance for Nephronophthisis 16. Last evaluated: 2025-03-31. Review status: criteria provided, single submitter. Criteria: Invitae Variant Classification Sherloc (09022015). Collection method: clinical testing. Allele origin: germline.
Comment: This sequence change affects codon 775 of the ANKS6 mRNA. It is a 'silent' change, meaning that it does not change the encoded amino acid sequence of the ANKS6 protein. It affects a nucleotide within the consensus splice site. This variant is not present in population databases (gnomAD no frequency). This variant has not been reported in the literature in individuals affected with ANKS6-related conditions. ClinVar contains an entry for this variant (Variation ID: 2007734). Algorithms developed to predict the effect of sequence changes on RNA splicing suggest that this variant is not likely to affect RNA splicing. In summary, the available evidence is currently insufficient to determine the role of this variant in disease. Therefore, it has been classified as a Variant of Uncertain Significance.

NM_173551.5(ANKS6):c.2325G>A (p.Glu775=)

Gene: ANKS6 (ankyrin repeat and sterile alpha motif domain containing 6; minus strand). Cytogenetic location: 9q22.33.
Variant type: single nucleotide variant.
Coding change: c.2325G>A on transcript NM_173551.5 (MANE Select); coding-DNA position 2325, G replaced by A.
Protein change: p.Glu775=; no amino-acid change (glutamic acid 775 retained).
Molecular consequence: synonymous variant.
Genome position (GRCh38, 1-based): chr9:98,756,421, C>T on the plus strand (G>A on the coding strand, the complement: ANKS6 is on the minus strand). VCF-style: chr9-98756421-C-T. GRCh37 (hg19) VCF-style: chr9-101518703-C-T.
Identifiers: ClinVar variation 2007734 (VCV002007734.4), dbSNP rs2490361145, ClinGen allele CA466422509.